The following is an entry in ClinVar:

NM_002241.5(KCNJ10):c.240C>T (p.Phe80=)

Gene: KCNJ10 (potassium inwardly rectifying channel subfamily J member 10; minus strand). Cytogenetic location: 1q23.2.
Variant type: single nucleotide variant.
Coding change: c.240C>T on transcript NM_002241.5 (MANE Select); coding-DNA position 240, C replaced by T.
Protein change: p.Phe80=; no amino-acid change (phenylalanine 80 retained).
Molecular consequence: synonymous variant.
Genome position (GRCh38, 1-based): chr1:160,042,293, G>A on the plus strand (C>T on the coding strand, the complement: KCNJ10 is on the minus strand). VCF-style: chr1-160042293-G-A. GRCh37 (hg19) VCF-style: chr1-160012083-G-A.
Identifiers: ClinVar variation 537737 (VCV000537737.18), dbSNP rs774758209, ClinGen allele CA1193269.

ClinVar aggregate classification (germline): Likely benign. Review status: criteria provided, multiple submitters, no conflicts (2 of 4 stars). 4 submissions from 4 submitters: Likely benign (3). 1 of the submissions does not count toward it. Last evaluated 2025-07-30.

Conditions:
EAST syndrome (SESAMES). Also called: SEIZURES, SENSORINEURAL DEAFNESS, ATAXIA, IMPAIRED INTELLECTUAL DEVELOPMENT, AND ELECTROLYTE IMBALANCE. Identifiers: Orphanet 199343, MedGen C2748572, MONDO:0013005, OMIM 612780.
Inborn genetic diseases. Identifiers: MedGen C0950123, MeSH D030342.
KCNJ10-related disorder. Also called: KCNJ10-related condition; KCNJ10-related disorders. Identifiers: MedGen CN239321.

Allele frequency attached by ClinVar (database versions not stated): gnomAD 0.00005 and 0.00006; TOPMed 0.00005.
gnomAD v4.1: 58 of 1,613,810 alleles (0.0036%); highest among the groups gnomAD compares: Middle Eastern, 0.082%; no homozygotes.

Submissions (4):

Labcorp Genetics (formerly Invitae), Labcorp
Classification: Likely benign for EAST syndrome. Last evaluated: 2025-07-30. Review status: criteria provided, single submitter. Criteria: Invitae Variant Classification Sherloc (09022015). Collection method: clinical testing. Allele origin: germline.

Ambry Genetics
Classification: Likely benign for Inborn genetic diseases. Last evaluated: 2019-12-08. Review status: criteria provided, single submitter. Criteria: Ambry Variant Classification Scheme 2023. Collection method: clinical testing. Allele origin: germline.

GeneDx
Classification: Likely benign. Last evaluated: 2019-01-25. Review status: criteria provided, single submitter. Criteria: GeneDx Variant Classification Process June 2021. Collection method: clinical testing. Allele origin: germline. Affected: yes.

PreventionGenetics, part of Exact Sciences
Classification: Likely benign for KCNJ10-related condition. Last evaluated: 2020-10-14. Review status: no assertion criteria provided. Collection method: clinical testing. Allele origin: germline. Not counted in ClinVar's aggregate classification.
Comment: This variant is classified as likely benign based on ACMG/AMP sequence variant interpretation guidelines (Richards et al. 2015 PMID: 25741868, with internal and published modifications).